The following is an entry in ClinVar:

ClinVar aggregate classification (germline): Likely benign (1 of 4 stars; one submission).

gnomAD v4.1: 8 of 1,614,112 alleles (0.0005%); highest among the groups gnomAD compares: Non-Finnish European, 0.00068%; no homozygotes.

Submission:

CeGaT Center for Human Genetics Tuebingen
Classification: Likely benign. Last evaluated: 2026-04-01. Review status: criteria provided, single submitter. Criteria: CeGaT Center For Human Genetics Tuebingen Variant Classification Criteria Version 2. Collection method: clinical testing. Allele origin: germline. Affected: yes. Observed: 1 variant allele.
Comment: FOLR1: BP4, BP7

NM_016729.3(FOLR1):c.648A>G (p.Pro216=)

Genes: FOLR1 (folate receptor alpha; plus strand), FOLR1-AS1 (FOLR1 antisense RNA 1; minus strand). Cytogenetic location: 11q13.4.
Variant type: single nucleotide variant.
Coding change: c.648A>G on transcript NM_016729.3 (MANE Select); coding-DNA position 648, A replaced by G.
Protein change: p.Pro216=; no amino-acid change (proline 216 retained).
Molecular consequence: synonymous variant.
Genome position (GRCh38, 1-based): chr11:72,196,051, A>G. VCF-style: chr11-72196051-A-G. GRCh37 (hg19) VCF-style: chr11-71907095-A-G.
Other names: c.648A>G, p.Pro216= (NM_000802.3, NM_016724.3, NM_016725.3).
Identifiers: ClinVar variation 4872486 (VCV004872486.2).